The following is an entry in ClinVar:

ClinVar aggregate classification (germline): Uncertain significance (1 of 4 stars; one submission).

Conditions:
Amyotrophic lateral sclerosis type 4 (ALS4). Also called: AMYOTROPHIC LATERAL SCLEROSIS 4, JUVENILE; NEURONOPATHY, DISTAL HEREDITARY MOTOR, WITH PYRAMIDAL FEATURES. Identifiers: Orphanet 357043, MedGen C1865409, MONDO:0011223, OMIM 602433.
Spinocerebellar ataxia, autosomal recessive, with axonal neuropathy 2 (SCAN2). Also called: Ataxia with Oculomotor Apraxia; Ataxia with Oculomotor Apraxia Type 2; Ataxia-ocular apraxia-2; ATAXIA-OCULOMOTOR APRAXIA 2. Identifiers: Orphanet 64753, MedGen C1853761, MONDO:0018996, OMIM 606002.

Submission:

Labcorp Genetics (formerly Invitae), Labcorp
Classification: Uncertain significance for Amyotrophic lateral sclerosis type 4; Spinocerebellar ataxia, autosomal recessive, with axonal neuropathy 2. Last evaluated: 2022-03-04. Review status: criteria provided, single submitter. Criteria: Invitae Variant Classification Sherloc (09022015). Collection method: clinical testing. Allele origin: germline.
Comment: This sequence change replaces glutamine, which is neutral and polar, with histidine, which is basic and polar, at codon 2487 of the SETX protein (p.Gln2487His). This variant is not present in population databases (gnomAD no frequency). This variant has not been reported in the literature in individuals affected with SETX-related conditions. Advanced modeling of protein sequence and biophysical properties (such as structural, functional, and spatial information, amino acid conservation, physicochemical variation, residue mobility, and thermodynamic stability) performed at Invitae indicates that this missense variant is not expected to disrupt SETX protein function. In summary, the available evidence is currently insufficient to determine the role of this variant in disease. Therefore, it has been classified as a Variant of Uncertain Significance.

NM_015046.7(SETX):c.7461G>C (p.Gln2487His)

Gene: SETX (senataxin; minus strand). Cytogenetic location: 9q34.13.
Variant type: single nucleotide variant.
Coding change: c.7461G>C on transcript NM_015046.7 (MANE Select); coding-DNA position 7461, G replaced by C.
Protein change: p.Gln2487His; replaces glutamine 2487 with histidine.
Molecular consequence: missense variant.
Genome position (GRCh38, 1-based): chr9:132,264,812, C>G on the plus strand (G>C on the coding strand, the complement: SETX is on the minus strand). VCF-style: chr9-132264812-C-G. GRCh37 (hg19) VCF-style: chr9-135140199-C-G.
Other names: c.7461G>C, p.Gln2487His (NM_001351527.2); c.7548G>C, p.Gln2516His (NM_001351528.2); short protein forms Q2516H, Q2487H.
Identifiers: ClinVar variation 2104769 (VCV002104769.4), dbSNP rs1564464236, ClinGen allele CA375325438.